The following is an entry in ClinVar:

ClinVar aggregate classification (germline): Likely pathogenic (1 of 4 stars; one submission).

Conditions:
Spermatogenic failure 38. Identifiers: MedGen C5193095, MONDO:0032748, OMIM 618433.

gnomAD v4.1: 13 of 1,612,700 alleles (0.00081%); highest among the groups gnomAD compares: Non-Finnish European, 0.0011%; no homozygotes.

Submission:

First Genomix Gene Laboratory, Genetic Diagnostics Department
Classification: Likely pathogenic for Spermatogenic failure 38. Last evaluated: 2025-09-19. Review status: criteria provided, single submitter. Criteria: ACMG Guidelines, 2015. Collection method: clinical testing. Allele origin: germline. Inheritance: Autosomal recessive inheritance. Affected: no. Observed: 1 variant allele.

NM_032131.6(ARMC2):c.2153-1G>C

Gene: ARMC2 (armadillo repeat containing 2; plus strand). Cytogenetic location: 6q21.
Variant type: single nucleotide variant.
Coding change: c.2153-1G>C on transcript NM_032131.6 (MANE Select); the canonical splice acceptor site of the intron before coding-DNA position 2153, G replaced by C.
Molecular consequence: splice acceptor variant.
Genome position (GRCh38, 1-based): chr6:108,964,179, G>C. VCF-style: chr6-108964179-G-C. GRCh37 (hg19) VCF-style: chr6-109285382-G-C.
Other names: c.1658-1G>C (NM_001286609.2).
Identifiers: ClinVar variation 4850302 (VCV004850302.1).